The following is an entry in ClinVar:

NM_004281.4(BAG3):c.145_146delinsGT (p.Trp49Val)

Gene: BAG3 (BAG cochaperone 3; plus strand). Cytogenetic location: 10q26.11.
Variant type: Indel.
Coding change: c.145_146delinsGT on transcript NM_004281.4 (MANE Select); coding-DNA positions 145 to 146, TG replaced by GT.
Protein change: p.Trp49Val; replaces tryptophan 49 with valine.
Molecular consequence: missense variant.
Genome position (GRCh38, 1-based): chr10:119,651,820-119,651,821, TG replaced by GT. VCF-style: chr10-119651820-TG-GT. GRCh37 (hg19) VCF-style: chr10-121411332-TG-GT.
Other names: short protein forms W49V.
Identifiers: ClinVar variation 4787292 (VCV004787292.1).
Genomic context (GRCh38, chr10:119,651,820, plus strand): 5'-AAGATCGACCCGCAGACCGGCTGGCCCTTCTTCGTGGACCACAACAGCCGCACCACTACG[TG>GT]GAACGACCCGCGCGTGCCCTCTGAGGGCCCCAAGGTGAGCCGGGCCCGCGGCCCGCCCTG-3'
Protein context (NP_004272.2, residues 39-59): FVDHNSRTTT[Trp49Val]NDPRVPSEGP

ClinVar aggregate classification (germline): Uncertain significance (1 of 4 stars; one submission).

Conditions:
Myofibrillar myopathy 6. Identifiers: Orphanet 199340, MedGen C2751831, MONDO:0013061, OMIM 612954.
Dilated cardiomyopathy 1HH (CMD1HH). Identifiers: Orphanet 154, MedGen C3151293, MONDO:0013479, OMIM 613881.

Submission:

Labcorp Genetics (formerly Invitae), Labcorp
Classification: Uncertain significance for Dilated cardiomyopathy 1HH; Myofibrillar myopathy 6. Last evaluated: 2026-02-03. Review status: criteria provided, single submitter. Criteria: Invitae Variant Classification Sherloc (09022015). Collection method: clinical testing. Allele origin: germline.
Comment: This sequence change replaces tryptophan, which is neutral and slightly polar, with valine, which is neutral and non-polar, at codon 49 of the BAG3 protein (p.Trp49Val). Information on the frequency of this variant in the gnomAD database is not available, as this variant may be reported differently in the database. This variant has not been reported in the literature in individuals affected with BAG3-related conditions. An algorithm developed to predict the effect of missense changes on protein structure and function (PolyPhen-2) suggests that this variant is likely to be disruptive. In summary, the available evidence is currently insufficient to determine the role of this variant in disease. Therefore, it has been classified as a Variant of Uncertain Significance.